The following is an entry in ClinVar:

ClinVar aggregate classification (germline): Conflicting classifications of pathogenicity. Review status: criteria provided, conflicting classifications (1 of 4 stars). 7 submissions from 7 submitters: Uncertain significance (5); Likely benign (1). 1 of the submissions does not count toward it. Last evaluated 2026-01-22.

Conditions:
Breast-ovarian cancer, familial, susceptibility to, 5 (BROVCA5). Identifiers: MedGen C5830615, MONDO:0957530, OMIM 620442.
Hereditary cancer-predisposing syndrome. Also called: Neoplastic Syndromes, Hereditary; Hereditary Cancer Syndrome; Tumor predisposition; Hereditary neoplastic syndrome. Identifiers: Orphanet 140162, MedGen C0027672, MeSH D009386, MONDO:0015356.
Familial cancer of breast. Also called: BREAST CANCER, FAMILIAL; hereditary breast carcinoma; Hereditary breast cancer. Identifiers: Orphanet 227535, MedGen C0346153, MONDO:0016419, OMIM 114480. Disease mechanism: loss of function.

Allele frequency attached by ClinVar (database versions not stated): TOPMed below 0.00001; ExAC 0.00001; gnomAD exomes 0.00001.
gnomAD v4.1: 5 of 1,614,056 alleles (0.00031%); highest among the groups gnomAD compares: Admixed American, 0.0033%; no homozygotes.

Submissions (7):

Labcorp Genetics (formerly Invitae), Labcorp
Classification: Uncertain significance for Familial cancer of breast. Last evaluated: 2026-01-22. Review status: criteria provided, single submitter. Criteria: Invitae Variant Classification Sherloc (09022015). Collection method: clinical testing. Allele origin: germline.
Comment: This sequence change replaces lysine, which is basic and polar, with arginine, which is basic and polar, at codon 311 of the PALB2 protein (p.Lys311Arg). This variant is present in population databases (rs755129205, gnomAD 0.003%). This missense change has been observed in individual(s) with breast cancer (PMID: 35218119). ClinVar contains an entry for this variant (Variation ID: 530210). Invitae Evidence Modeling of protein sequence and biophysical properties (such as structural, functional, and spatial information, amino acid conservation, physicochemical variation, residue mobility, and thermodynamic stability) indicates that this missense variant is not expected to disrupt PALB2 protein function with a negative predictive value of 80%. In summary, the available evidence is currently insufficient to determine the role of this variant in disease. Therefore, it has been classified as a Variant of Uncertain Significance.

Dasa
Classification: Uncertain significance for Breast-ovarian cancer, familial, susceptibility to, 5. Last evaluated: 2025-05-21. Review status: criteria provided, single submitter. Criteria: DASA Assertion Criteria. Collection method: clinical testing. Allele origin: germline.
Comment: NM_024675.4(PALB2):c.932A>G (p.Lys311Arg) is a missense variant that results in the substitution of lysine with arginine. This variant is rare in population databases. The currently available literature and clinical evidence are not sufficient to establish a definitive association between this variant and the reported condition. Therefore, this variant is classified as a variant of uncertain significance.

Quest Diagnostics Nichols Institute San Juan Capistrano
Classification: Uncertain significance. Last evaluated: 2025-03-11. Review status: criteria provided, single submitter. Criteria: Quest Diagnostics criteria. Collection method: clinical testing. Allele origin: unknown.
Comment: The PALB2 c.932A>G (p.Lys311Arg) variant has been reported in the published literature in an individual affected with prostate cancer (PMID: 29659569 (2018)), as well as reported healthy individuals (PMIDs: 35218119 (2022), 30287823 (2018)). The frequency of this variant in the general population (Genome Aggregation Database) is uninformative in the assessment of its pathogenicity. Analysis of this variant using bioinformatics tools for the prediction of the effect of amino acid changes on protein structure and function yielded predictions that this variant is benign. Based on the available information, we are unable to determine the clinical significance of this variant.

Ambry Genetics
Classification: Likely benign for Hereditary cancer-predisposing syndrome. Last evaluated: 2024-05-29. Review status: criteria provided, single submitter. Criteria: Ambry Variant Classification Scheme 2023. Collection method: clinical testing. Allele origin: germline.

Color Diagnostics, LLC DBA Color Health
Classification: Uncertain significance for Hereditary cancer-predisposing syndrome. Last evaluated: 2022-01-25. Review status: criteria provided, single submitter. Criteria: ACMG Guidelines, 2015. Collection method: clinical testing. Allele origin: germline.
Comment: This missense variant replaces lysine with arginine at codon 311 of the PALB2 protein. Computational prediction suggests that this variant may not impact protein structure and function (internally defined REVEL score threshold <= 0.5, PMID: 27666373). To our knowledge, functional studies have not been reported for this variant. This variant has not been reported in individuals affected with hereditary cancer in the literature but has been observed in four unaffected control individuals (PMID: 30287823). This variant has been identified in 3/251154 chromosomes in the general population by the Genome Aggregation Database (gnomAD). The available evidence is insufficient to determine the role of this variant in disease conclusively. Therefore, this variant is classified as a Variant of Uncertain Significance.

Women's Health and Genetics/Laboratory Corporation of America, LabCorp
Classification: Uncertain significance. Last evaluated: 2019-08-05. Review status: criteria provided, single submitter. Criteria: LabCorp Variant Classification Summary - May 2015. Collection method: clinical testing. Allele origin: germline.
Comment: Variant summary: PALB2 c.932A>G (p.Lys311Arg) results in a conservative amino acid change in the encoded protein sequence. Five of five in-silico tools predict a benign effect of the variant on protein function. The variant allele was found at a frequency of 2.2e-05 in 273636 control chromosomes (gnomAD and Momozawa_2018). The available data on variant occurrences in the general population are insufficient to allow any conclusion about variant significance. c.932A>G has been reported in the literature in individuals affected with early-onset and/or familial/hereditary prostate cancer (Paulo_2018). However, this report does not provide unequivocal conclusions about association of the variant with Breast Cancer. Co-occurrence with another pathogenic variant has been reported (RAD51D c.694C>T, p.Arg232X). To our knowledge, no experimental evidence demonstrating an impact on protein function has been reported. A ClinVar submission (evaluation after 2014) cites the variant as uncertain significance. Based on the evidence outlined above, the variant was classified as uncertain significance.

Leiden Open Variation Database
Classification: Uncertain significance. Last evaluated: 2018-10-10. Review status: no assertion criteria provided. Collection method: curation. Allele origin: germline. Affected: yes. Not counted in ClinVar's aggregate classification.
Comment: Curators: Marc Tischkowitz, Arleen D. Auerbach. Submitter to LOVD: Yukihide Momozawa.

Literature cited by the submitters: PubMed 35218119 (cited by Labcorp Genetics (formerly Invitae), Labcorp and Quest Diagnostics Nichols Institute San Juan Capistrano); PubMed 30287823 (cited by 5 submitters); PubMed 29659569 (cited by Quest Diagnostics Nichols Institute San Juan Capistrano and Women's Health and Genetics/Laboratory Corporation of America, LabCorp).

NM_024675.4(PALB2):c.932A>G (p.Lys311Arg)

Gene: PALB2 (partner and localizer of BRCA2; minus strand). Cytogenetic location: 16p12.2.
Variant type: single nucleotide variant.
Coding change: c.932A>G on transcript NM_024675.4 (MANE Select); coding-DNA position 932, A replaced by G.
Protein change: p.Lys311Arg; replaces lysine 311 with arginine.
Molecular consequence: missense variant.
Genome position (GRCh38, 1-based): chr16:23,635,614, T>C on the plus strand (A>G on the coding strand, the complement: PALB2 is on the minus strand). VCF-style: chr16-23635614-T-C. GRCh37 (hg19) VCF-style: chr16-23646935-T-C.
Other names: short protein forms K311R.
Identifiers: ClinVar variation 530210 (VCV000530210.21), dbSNP rs755129205, ClinGen allele CA7963744.